The following is an entry in ClinVar:

ClinVar aggregate classification (germline): Benign/Likely benign. Review status: criteria provided, multiple submitters, no conflicts (2 of 4 stars). 6 submissions from 6 submitters: Benign (3); Likely benign (1). 2 of the submissions do not count toward it. Last evaluated 2024-11-25.

Conditions:
History of neurodevelopmental disorder. Identifiers: MedGen C2711754.

Allele frequency attached by ClinVar (database versions not stated): 1000 Genomes Project 0.00265; 1000 Genomes Project 30x 0.00271; TOPMed 0.00286; ExAC 0.00288; gnomAD 0.00294 and 0.00296; gnomAD exomes 0.00301 and 0.00534; ESP Exome Variant Server 0.00312.
gnomAD v4.1: 6,145 of 1,209,736 alleles (0.51%); highest among the groups gnomAD compares: Non-Finnish European, 0.63%; 19 homozygotes.

Submissions (6):

Blueprint Genetics
Classification: Likely benign. Last evaluated: 2024-11-25. Review status: criteria provided, single submitter. Criteria: ACMG Guidelines, 2015. Collection method: clinical testing. Allele origin: germline.

Eurofins Ntd Llc (ga)
Classification: Benign. Last evaluated: 2016-12-20. Review status: criteria provided, single submitter. Criteria: EGL Classification Definitions 2015. Collection method: clinical testing. Allele origin: germline. Observed: 1 variant allele, 1 hemizygote.

Ambry Genetics
Classification: Benign for History of neurodevelopmental disorder. Last evaluated: 2013-07-12. Review status: criteria provided, single submitter. Criteria: Ambry Autosomal Dominant and X-Linked criteria (10/2015). Collection method: clinical testing. Allele origin: germline. Observed: 1 variant allele.
Comment: General population or subpopulation frequency is too high to be a pathogenic mutation based on disease/syndrome prevalence and penetrance

Breakthrough Genomics
Classification: Benign. Review status: criteria provided, single submitter. Criteria: ACMG Guidelines, 2015. Collection method: not provided. Allele origin: germline. Inheritance: Unknown mechanism. Affected: yes.

Clinical Genetics DNA and cytogenetics Diagnostics Lab, Erasmus MC, Erasmus Medical Center
Classification: Benign. Review status: no assertion criteria provided. Collection method: clinical testing. Allele origin: germline. Affected: yes. Study: VKGL Data-share Consensus. Not counted in ClinVar's aggregate classification.

Laboratory of Diagnostic Genome Analysis, Leiden University Medical Center (LUMC)
Classification: Likely benign. Review status: no assertion criteria provided. Collection method: clinical testing. Allele origin: germline. Affected: yes. Study: VKGL Data-share Consensus. Not counted in ClinVar's aggregate classification.

NM_001324144.2(ZNF41):c.590A>G (p.Lys197Arg)

Gene: ZNF41 (zinc finger protein 41; minus strand). Cytogenetic location: Xp11.3.
Variant type: single nucleotide variant.
Coding change: c.590A>G on transcript NM_001324144.2 (MANE Select); coding-DNA position 590, A replaced by G.
Protein change: p.Lys197Arg; replaces lysine 197 with arginine.
Molecular consequence: missense variant.
Genome position (GRCh38, 1-based): chrX:47,449,180, T>C on the plus strand (A>G on the coding strand, the complement: ZNF41 is on the minus strand). VCF-style: chrX-47449180-T-C. GRCh37 (hg19) VCF-style: chrX-47308579-T-C.
Other names: c.332A>G, p.Lys111Arg (NM_001324139.2, NM_001324141.2, NM_001324143.2 and 3 more transcripts); c.590A>G, p.Lys197Arg (NM_001324140.2, NM_001324147.2, NM_001324150.2 and 2 more transcripts); c.596A>G, p.Lys199Arg (NM_001324142.2, NM_001324148.2); c.620A>G, p.Lys207Arg (NM_001324151.2, NM_001324153.2); c.692A>G, p.Lys231Arg (NM_001324154.1); c.716A>G, p.Lys239Arg (NM_001324155.1); c.488A>G, p.Lys163Arg (NM_001324156.1); c.482A>G, p.Lys161Arg (NM_001324157.1); short protein forms K197R, K111R, K161R, K163R, K207R, K199R, K231R, K239R.
Identifiers: ClinVar variation 368373 (VCV000368373.11), dbSNP rs148585367, ClinGen allele CA10397782.
Genomic context (GRCh38, chrX:47,449,180, plus strand): 5'-ATCTTGCCAAGGTTCTTTGTTGCACTGTTTCTATTATGATTATGTGAGTTTAAAGTATGC[T>C]TCAAAATTGTGTCACAGTTATGGAGTCTTTTAATTGAAGGAACAAGCTTGGTAGTCACAT-3'
Protein context (NP_001311073.1, residues 187-207): KRLHNCDTIL[Lys197Arg]HTLNSHNHNR